The following is an entry in ClinVar:

NM_001735.3(C5):c.3871A>G (p.Ile1291Val)

Gene: C5 (complement C5; minus strand). Cytogenetic location: 9q33.2.
Variant type: single nucleotide variant.
Coding change: c.3871A>G on transcript NM_001735.3 (MANE Select); coding-DNA position 3871, A replaced by G.
Protein change: p.Ile1291Val; replaces isoleucine 1291 with valine.
Molecular consequence: missense variant.
Genome position (GRCh38, 1-based): chr9:120,974,925, T>C on the plus strand (A>G on the coding strand, the complement: C5 is on the minus strand). VCF-style: chr9-120974925-T-C. GRCh37 (hg19) VCF-style: chr9-123737203-T-C.
Other names: c.3889A>G, p.Ile1297Val (NM_001317163.2); c.3871A>G (NM_001735.2); short protein forms I1297V, I1291V.
Identifiers: ClinVar variation 1478184 (VCV001478184.12), dbSNP rs200674959, ClinGen allele CA5217364.

ClinVar aggregate classification (germline): Uncertain significance. Review status: criteria provided, multiple submitters, no conflicts (2 of 4 stars). 5 submissions from 5 submitters: Uncertain significance (5). Last evaluated 2026-01-26.

Conditions:
C5-related disorder. Also called: C5-related condition.

Allele frequency attached by ClinVar (database versions not stated): ESP Exome Variant Server 0.00015; TOPMed 0.00019; gnomAD 0.00030 and 0.00032.
gnomAD v4.1: 344 of 1,614,076 alleles (0.021%); highest among the groups gnomAD compares: Non-Finnish European, 0.025%; 1 homozygote.

Submissions (5):

Labcorp Genetics (formerly Invitae), Labcorp
Classification: Uncertain significance. Last evaluated: 2026-01-26. Review status: criteria provided, single submitter. Criteria: Invitae Variant Classification Sherloc (09022015). Collection method: clinical testing. Allele origin: germline.
Comment: This sequence change replaces isoleucine, which is neutral and non-polar, with valine, which is neutral and non-polar, at codon 1291 of the C5 protein (p.Ile1291Val). This variant is present in population databases (rs200674959, gnomAD 0.07%). This variant has not been reported in the literature in individuals affected with C5-related conditions. ClinVar contains an entry for this variant (Variation ID: 1478184). Invitae Evidence Modeling of protein sequence and biophysical properties (such as structural, functional, and spatial information, amino acid conservation, physicochemical variation, residue mobility, and thermodynamic stability) indicates that this missense variant is not expected to disrupt C5 protein function with a negative predictive value of 80%. In summary, the available evidence is currently insufficient to determine the role of this variant in disease. Therefore, it has been classified as a Variant of Uncertain Significance.

Ambry Genetics
Classification: Uncertain significance. Last evaluated: 2025-11-12. Review status: criteria provided, single submitter. Criteria: Ambry Variant Classification Scheme 2023. Collection method: clinical testing. Allele origin: germline.

PreventionGenetics, part of Exact Sciences
Classification: Uncertain significance for C5-related condition. Last evaluated: 2025-01-13. Review status: criteria provided, single submitter. Criteria: ACMG Guidelines, 2015. Collection method: clinical testing. Allele origin: germline.
Comment: The C5 c.3871A>G variant is predicted to result in the amino acid substitution p.Ile1291Val. To our knowledge, this variant has not been reported in the literature. This variant is reported in 0.072% of alleles in individuals of European (Finnish) descent in gnomAD. At this time, the clinical significance of this variant is uncertain due to the absence of conclusive functional and genetic evidence.

Blueprint Genetics
Classification: Uncertain significance. Last evaluated: 2024-11-27. Review status: criteria provided, single submitter. Criteria: ACMG Guidelines, 2015. Collection method: clinical testing. Allele origin: germline.

Women's Health and Genetics/Laboratory Corporation of America, LabCorp
Classification: Uncertain significance. Last evaluated: 2024-03-07. Review status: criteria provided, single submitter. Criteria: LabCorp Variant Classification Summary - May 2015. Collection method: clinical testing. Allele origin: germline.
Comment: Variant summary: C5 c.3871A>G (p.Ile1291Val) results in a conservative amino acid change located in the Alpha-macroglobulin-like, TED domain (IPR011626) of the encoded protein sequence. Five of five in-silico tools predict a benign effect of the variant on protein function. The variant allele was found at a frequency of 0.00026 in 251470 control chromosomes. The observed variant frequency is approximately 2.3-fold of the estimated maximal expected allele frequency for a pathogenic variant in C5 causing C5 Deficiency phenotype (0.00011), suggesting that the variant could be benign. To our knowledge, no occurrence of c.3871A>G in individuals affected with C5 Deficiency and no experimental evidence demonstrating its impact on protein function have been reported. ClinVar contains an entry for this variant (Variation ID: 1478184). Based on the evidence outlined above, the variant was classified as uncertain significance.